The following is an entry in ClinVar:

ClinVar aggregate classification (germline): Uncertain significance (1 of 4 stars; one submission).

gnomAD v4.1: 1 of 1,612,962 alleles (0.000062%); highest among the groups gnomAD compares: African/African-American, 0.0013%; no homozygotes.

Submission:

GeneDx
Classification: Uncertain significance. Last evaluated: 2023-11-16. Review status: criteria provided, single submitter. Criteria: GeneDx Variant Classification Process June 2021. Collection method: clinical testing. Allele origin: germline. Affected: yes.
Comment: Not observed at significant frequency in large population cohorts (gnomAD); In silico analysis supports that this missense variant does not alter protein structure/function; Has not been previously published as pathogenic or benign to our knowledge

NM_001256715.2(DNAAF3):c.1570C>T (p.Pro524Ser)

Gene: DNAAF3 (dynein axonemal assembly factor 3; minus strand). Cytogenetic location: 19q13.42.
Variant type: single nucleotide variant.
Coding change: c.1570C>T on transcript NM_001256715.2 (MANE Select); coding-DNA position 1570, C replaced by T.
Protein change: p.Pro524Ser; replaces proline 524 with serine.
Molecular consequence: missense variant.
Genome position (GRCh38, 1-based): chr19:55,159,118, G>A on the plus strand (C>T on the coding strand, the complement: DNAAF3 is on the minus strand). VCF-style: chr19-55159118-G-A. GRCh37 (hg19) VCF-style: chr19-55670486-G-A.
Other names: c.1771C>T, p.Pro591Ser (NM_001256714.1); c.1408C>T, p.Pro470Ser (NM_001256716.2); c.1711C>T, p.Pro571Ser (NM_178837.4); short protein forms P470S, P524S, P571S, P591S.
Identifiers: ClinVar variation 3364369 (VCV003364369.1).